The following is an entry in ClinVar:

ClinVar aggregate classification (germline): Uncertain significance (1 of 4 stars; one submission).

Submission:

GeneDx
Classification: Uncertain significance. Last evaluated: 2025-04-08. Review status: criteria provided, single submitter. Criteria: GeneDx Variant Classification Process June 2021. Collection method: clinical testing. Allele origin: germline. Affected: yes.
Comment: Not observed at significant frequency in large population cohorts (gnomAD); In silico analysis supports that this missense variant has a deleterious effect on protein structure/function; Has not been previously published as pathogenic or benign to our knowledge

NM_031475.3(ESPN):c.611A>C (p.His204Pro)

Gene: ESPN (espin; plus strand). Cytogenetic location: 1p36.31.
Variant type: single nucleotide variant.
Coding change: c.611A>C on transcript NM_031475.3 (MANE Select); coding-DNA position 611, A replaced by C.
Protein change: p.His204Pro; replaces histidine 204 with proline.
Molecular consequence: missense variant.
Genome position (GRCh38, 1-based): chr1:6,440,376, A>C. VCF-style: chr1-6440376-A-C. GRCh37 (hg19) VCF-style: chr1-6500436-A-C.
Other names: c.611A>C, p.His204Pro (NM_001367473.1, NM_001367474.1); short protein forms H204P.
Identifiers: ClinVar variation 1190075 (VCV001190075.4), dbSNP rs2148518071, ClinGen allele CA338089499.
Genomic context (GRCh38, chr1:6,440,376, plus strand): 5'-ACCTGGAGGTGACCCAGTACCTGGTGCAGGAATGCGGCGCAGACCCGCACGCGCGCGCCC[A>C]CGACGGCATGACCCCGCTGCACGCCGCGGCGCAGATGGGCCACAGCCCAGTCATCGTGTG-3'
Protein context (NP_113663.2, residues 194-214): ECGADPHARA[His204Pro]DGMTPLHAAA